The following is an entry in ClinVar:

ClinVar aggregate classification (germline): Likely benign. Review status: criteria provided, multiple submitters, no conflicts (2 of 4 stars). 2 submissions from 2 submitters: Likely benign (2). Last evaluated 2023-10-01.

gnomAD v4.1: 4 of 1,608,014 alleles (0.00025%); highest among the groups gnomAD compares: Non-Finnish European, 0.00025%; no homozygotes.

Submissions (2):

CeGaT Center for Human Genetics Tuebingen
Classification: Likely benign. Last evaluated: 2023-10-01. Review status: criteria provided, single submitter. Criteria: CeGaT Center For Human Genetics Tuebingen Variant Classification Criteria Version 2. Collection method: clinical testing. Allele origin: germline. Affected: yes. Observed: 1 variant allele.
Comment: KCNQ2: BP4, BP7

GeneDx
Classification: Likely benign. Last evaluated: 2016-05-05. Review status: criteria provided, single submitter. Criteria: GeneDx Variant Classification (06012015). Collection method: clinical testing. Allele origin: germline. Affected: yes.
Comment: This variant is considered likely benign or benign based on one or more of the following criteria: it is a conservative change, it occurs at a poorly conserved position in the protein, it is predicted to be benign by multiple in silico algorithms, and/or has population frequency not consistent with disease.

NM_172107.4(KCNQ2):c.2344C>A (p.Arg782=)

Gene: KCNQ2 (potassium voltage-gated channel subfamily Q member 2; minus strand). Cytogenetic location: 20q13.33.
Variant type: single nucleotide variant.
Coding change: c.2344C>A on transcript NM_172107.4 (MANE Select); coding-DNA position 2344, C replaced by A.
Protein change: p.Arg782=; no amino-acid change (arginine 782 retained).
Molecular consequence: synonymous variant.
Genome position (GRCh38, 1-based): chr20:63,406,919, G>T on the plus strand (C>A on the coding strand, the complement: KCNQ2 is on the minus strand). VCF-style: chr20-63406919-G-T. GRCh37 (hg19) VCF-style: chr20-62038272-G-T.
Other names: c.2260C>A, p.Arg754= (NM_004518.6); c.2290C>A, p.Arg764= (NM_172106.3); c.2251C>A, p.Arg751= (NM_172108.5).
Identifiers: ClinVar variation 385756 (VCV000385756.25), dbSNP rs745990385, ClinGen allele CA16608499.